The following is an entry in ClinVar:

ClinVar aggregate classification (germline): Uncertain significance. Review status: criteria provided, multiple submitters, no conflicts (2 of 4 stars). 2 submissions from 2 submitters: Uncertain significance (2). Last evaluated 2026-04-22.

Conditions:
Inborn genetic diseases. Identifiers: MedGen C0950123, MeSH D030342.

gnomAD v4.1: 4 of 1,603,588 alleles (0.00025%); highest among the groups gnomAD compares: Non-Finnish European, 0.00034%; no homozygotes.

Submissions (2):

Ambry Genetics
Classification: Uncertain significance for Inborn genetic diseases. Last evaluated: 2026-04-22. Review status: criteria provided, single submitter. Criteria: Ambry Variant Classification Scheme 2023. Collection method: clinical testing. Allele origin: germline.

Labcorp Genetics (formerly Invitae), Labcorp
Classification: Uncertain significance. Last evaluated: 2024-05-01. Review status: criteria provided, single submitter. Criteria: Invitae Variant Classification Sherloc (09022015). Collection method: clinical testing. Allele origin: germline.
Comment: This sequence change replaces arginine, which is basic and polar, with histidine, which is basic and polar, at codon 731 of the SLC12A6 protein (p.Arg731His). This variant is not present in population databases (gnomAD no frequency). This variant has not been reported in the literature in individuals affected with SLC12A6-related conditions. Advanced modeling of protein sequence and biophysical properties (such as structural, functional, and spatial information, amino acid conservation, physicochemical variation, residue mobility, and thermodynamic stability) performed at Invitae indicates that this missense variant is expected to disrupt SLC12A6 protein function with a positive predictive value of 80%. In summary, the available evidence is currently insufficient to determine the role of this variant in disease. Therefore, it has been classified as a Variant of Uncertain Significance.

NM_001365088.1(SLC12A6):c.2192G>A (p.Arg731His)

Gene: SLC12A6 (solute carrier family 12 member 6; minus strand). Cytogenetic location: 15q14.
Variant type: single nucleotide variant.
Coding change: c.2192G>A on transcript NM_001365088.1 (MANE Select); coding-DNA position 2192, G replaced by A.
Protein change: p.Arg731His; replaces arginine 731 with histidine.
Molecular consequence: missense variant.
Genome position (GRCh38, 1-based): chr15:34,241,308, C>T on the plus strand (G>A on the coding strand, the complement: SLC12A6 is on the minus strand). VCF-style: chr15-34241308-C-T. GRCh37 (hg19) VCF-style: chr15-34533509-C-T.
Other names: c.2015G>A, p.Arg672His (NM_001042494.2, NM_001042495.2); c.2165G>A, p.Arg722His (NM_001042496.2); c.2147G>A, p.Arg716His (NM_001042497.2); c.2039G>A, p.Arg680His (NM_005135.2); c.2192G>A, p.Arg731His (NM_133647.2); short protein forms R672H, R680H, R716H, R722H, R731H.
Identifiers: ClinVar variation 3615575 (VCV003615575.3).